The following is an entry in ClinVar:

NM_001378615.1(CC2D2A):c.708A>T (p.Gly236=)

Genes: CC2D2A (coiled-coil and C2 domain containing 2A; plus strand), FBXL5 (F-box and leucine rich repeat protein 5; minus strand). Cytogenetic location: 4p15.32.
Variant type: single nucleotide variant.
Coding change: c.708A>T on transcript NM_001378615.1 (MANE Select); coding-DNA position 708, A replaced by T.
Protein change: p.Gly236=; no amino-acid change (glycine 236 retained).
Molecular consequence: synonymous variant.
Genome position (GRCh38, 1-based): chr4:15,511,414, A>T. VCF-style: chr4-15511414-A-T. GRCh37 (hg19) VCF-style: chr4-15513037-A-T.
Other names: c.708A>T, p.Gly236= (NM_001080522.2); c.561A>T, p.Gly187= (NM_001378617.1).
Identifiers: ClinVar variation 941670 (VCV000941670.10), dbSNP rs1716563559, ClinGen allele CA438381101.

ClinVar aggregate classification (germline): Uncertain significance (1 of 4 stars; one submission).

Conditions:
Meckel-Gruber syndrome. Also called: Dysencephalia splachnocystica; DYSENCEPHALIA SPLANCHNOCYSTICA; GRUBER SYNDROME. Identifiers: Orphanet 564, MedGen C0265215, MONDO:0018921.
Joubert syndrome. Also called: Familial aplasia of the vermis; JOUBERT-BOLTSHAUSER SYNDROME. Identifiers: Orphanet 475, MedGen C5979921, MONDO:0018772.

Submission:

Labcorp Genetics (formerly Invitae), Labcorp
Classification: Uncertain significance for Joubert syndrome; Meckel-Gruber syndrome. Last evaluated: 2022-02-08. Review status: criteria provided, single submitter. Criteria: Invitae Variant Classification Sherloc (09022015). Collection method: clinical testing. Allele origin: germline.
Comment: In summary, the available evidence is currently insufficient to determine the role of this variant in disease. Therefore, it has been classified as a Variant of Uncertain Significance. Algorithms developed to predict the effect of sequence changes on RNA splicing suggest that this variant may create or strengthen a splice site. ClinVar contains an entry for this variant (Variation ID: 941670). This variant has not been reported in the literature in individuals affected with CC2D2A-related conditions. This variant is not present in population databases (gnomAD no frequency). This sequence change affects codon 236 of the CC2D2A mRNA. It is a 'silent' change, meaning that it does not change the encoded amino acid sequence of the CC2D2A protein.